The following is an entry in ClinVar:

ClinVar aggregate classification (germline): Benign/Likely benign. Review status: criteria provided, multiple submitters, no conflicts (2 of 4 stars). 4 submissions from 4 submitters: Benign (2); Likely benign (2). Last evaluated 2026-02-01.

Conditions:
Fraser syndrome 3. Identifiers: MedGen C4540040, MONDO:0054739, OMIM 617667.

Allele frequency attached by ClinVar (database versions not stated): TOPMed 0.00059; 1000 Genomes Project 30x 0.00203; 1000 Genomes Project 0.00220.
gnomAD v4.1: 332 of 1,610,444 alleles (0.021%); highest among the groups gnomAD compares: East Asian, 0.55%; no homozygotes.

Submissions (4):

Labcorp Genetics (formerly Invitae), Labcorp
Classification: Benign. Last evaluated: 2026-02-01. Review status: criteria provided, single submitter. Criteria: Invitae Variant Classification Sherloc (09022015). Collection method: clinical testing. Allele origin: germline.

Blueprint Genetics
Classification: Likely benign. Last evaluated: 2024-11-25. Review status: criteria provided, single submitter. Criteria: ACMG Guidelines, 2015. Collection method: clinical testing. Allele origin: germline.

Fulgent Genetics
Classification: Benign for Fraser syndrome 3. Last evaluated: 2021-07-27. Review status: criteria provided, single submitter. Criteria: ACMG Guidelines, 2015. Collection method: clinical testing. Allele origin: unknown.

Illumina Laboratory Services, Illumina
Classification: Likely benign for Fraser syndrome 3. Last evaluated: 2018-01-12. Review status: criteria provided, single submitter. Criteria: ICSL Variant Classification Criteria 13 December 2019. Collection method: clinical testing. Allele origin: germline.
Comment: This variant was observed in the ICSL laboratory as part of a predisposition screen in an ostensibly healthy population. It had not been previously curated by ICSL or reported in the Human Gene Mutation Database (HGMD: prior to June 1st, 2018), and was therefore a candidate for classification through an automated scoring system. Utilizing variant allele frequency, disease prevalence and penetrance estimates, and inheritance mode, an automated score was calculated to assess if this variant is too frequent to cause the disease. Based on the score and internal cut-off values, a variant classified as likely benign is not then subjected to further curation. The score for this variant resulted in a classification of likely benign for this disease.

NM_001366722.1(GRIP1):c.418+14C>A

Gene: GRIP1 (glutamate receptor interacting protein 1; minus strand). Cytogenetic location: 12q14.3.
Variant type: single nucleotide variant.
Coding change: c.418+14C>A on transcript NM_001366722.1 (MANE Select); 14 bases into the intron after coding-DNA position 418, C replaced by A.
Molecular consequence: intron variant.
Genome position (GRCh38, 1-based): chr12:66,539,064, G>T on the plus strand (C>A on the coding strand, the complement: GRIP1 is on the minus strand). VCF-style: chr12-66539064-G-T. GRCh37 (hg19) VCF-style: chr12-66932844-G-T.
Other names: c.496+14C>A (NM_001366723.1, NM_001366724.1); c.418+14C>A (NM_001178074.2, NM_021150.4).
Identifiers: ClinVar variation 883642 (VCV000883642.9), dbSNP rs79994510, ClinGen allele CA6674667.